The following is an entry in ClinVar:

NM_005514.8(HLA-B):c.117C>T (p.Pro39=)

Gene: HLA-B (major histocompatibility complex, class I, B; minus strand). Cytogenetic location: 6p21.33.
Variant type: single nucleotide variant.
Coding change: c.117C>T on transcript NM_005514.8 (MANE Select); coding-DNA position 117, C replaced by T.
Protein change: p.Pro39=; no amino-acid change (proline 39 retained).
Molecular consequence: synonymous variant.
Genome position (GRCh38, 1-based): chr6:31,356,914, G>A on the plus strand (C>T on the coding strand, the complement: HLA-B is on the minus strand). VCF-style: chr6-31356914-G-A. GRCh37 (hg19) VCF-style: chr6-31324691-G-A.
Identifiers: ClinVar variation 2656399 (VCV002656399.24), dbSNP rs3177891, ClinGen allele CA3711880.

ClinVar aggregate classification (germline): Likely benign (1 of 4 stars; one submission).

Allele frequency attached by ClinVar (database versions not stated): ESP Exome Variant Server 0.00041; ExAC 0.00050; 1000 Genomes Project 0.00060; gnomAD 0.00072.

Submission:

CeGaT Center for Human Genetics Tuebingen
Classification: Likely benign. Last evaluated: 2026-08-01. Review status: criteria provided, single submitter. Criteria: CeGaT Center For Human Genetics Tuebingen Variant Classification Criteria Version 2. Collection method: clinical testing. Allele origin: germline. Affected: yes. Observed: 5 variant alleles.
Comment: HLA-B: BP4, BP7